The following is an entry in ClinVar:

ClinVar aggregate classification (germline): Uncertain significance (1 of 4 stars; one submission).

Conditions:
FRMPD4-related disorder. Also called: FRMPD4-related condition.

Allele frequency attached by ClinVar (database versions not stated): gnomAD exomes below 0.00001; TOPMed below 0.00001; ExAC 0.00001.
gnomAD v4.1: 1 of 1,199,672 alleles (0.000083%); highest among the groups gnomAD compares: Non-Finnish European, 0.00011%; no homozygotes.

Submission:

PreventionGenetics, part of Exact Sciences
Classification: Uncertain significance for FRMPD4-related condition. Last evaluated: 2022-10-06. Review status: criteria provided, single submitter. Criteria: ACMG Guidelines, 2015. Collection method: clinical testing. Allele origin: germline.
Comment: The FRMPD4 c.1304C>T variant is predicted to result in the amino acid substitution p.Ser435Leu. To our knowledge, this variant has not been reported in the literature. This variant is reported in 0.011% of alleles in individuals of African descent in gnomAD. Although we suspect that this variant may be benign, at this time, the clinical significance of this variant is uncertain due to the absence of conclusive functional and genetic evidence.

NM_001368397.1(FRMPD4):c.1304C>T (p.Ser435Leu)

Gene: FRMPD4 (FERM and PDZ domain containing 4; plus strand). Cytogenetic location: Xp22.2.
Variant type: single nucleotide variant.
Coding change: c.1304C>T on transcript NM_001368397.1 (MANE Select); coding-DNA position 1304, C replaced by T.
Protein change: p.Ser435Leu; replaces serine 435 with leucine.
Molecular consequence: missense variant.
Genome position (GRCh38, 1-based): chrX:12,707,485, C>T. VCF-style: chrX-12707485-C-T. GRCh37 (hg19) VCF-style: chrX-12725604-C-T.
Other names: c.1415C>T, p.Ser472Leu (NM_001368395.3, NM_001368398.3); c.1310C>T, p.Ser437Leu (NM_001368396.3); c.1295C>T, p.Ser432Leu (NM_001368399.3); c.1184C>T, p.Ser395Leu (NM_001368400.3); c.1280C>T, p.Ser427Leu (NM_001368401.1, NM_001368402.3); c.1304C>T, p.Ser435Leu (NM_014728.3); short protein forms S395L, S427L, S432L, S435L, S437L, S472L.
Identifiers: ClinVar variation 2637172 (VCV002637172.1), dbSNP rs750004207, ClinGen allele CA10349275.